The following is an entry in ClinVar:

ClinVar aggregate classification (germline): Uncertain significance (1 of 4 stars; one submission).

Allele frequency attached by ClinVar (database versions not stated): TOPMed below 0.00001.

Submission:

Labcorp Genetics (formerly Invitae), Labcorp
Classification: Uncertain significance. Last evaluated: 2024-01-26. Review status: criteria provided, single submitter. Criteria: Invitae Variant Classification Sherloc (09022015). Collection method: clinical testing. Allele origin: germline.
Comment: This sequence change replaces isoleucine, which is neutral and non-polar, with valine, which is neutral and non-polar, at codon 221 of the OR2W3 protein (p.Ile221Val). This variant is present in population databases (no rsID available, gnomAD no frequency). This variant has not been reported in the literature in individuals affected with OR2W3-related conditions. An algorithm developed to predict the effect of missense changes on protein structure and function (PolyPhen-2) suggests that this variant is likely to be disruptive. In summary, the available evidence is currently insufficient to determine the role of this variant in disease. Therefore, it has been classified as a Variant of Uncertain Significance.

NM_001001957.2(OR2W3):c.661A>G (p.Ile221Val)

Gene: OR2W3 (olfactory receptor family 2 subfamily W member 3; plus strand). Cytogenetic location: 1q44.
Variant type: single nucleotide variant.
Coding change: c.661A>G on transcript NM_001001957.2 (MANE Select); coding-DNA position 661, A replaced by G.
Protein change: p.Ile221Val; replaces isoleucine 221 with valine.
Molecular consequence: missense variant.
Genome position (GRCh38, 1-based): chr1:247,896,247, A>G. VCF-style: chr1-247896247-A-G. GRCh37 (hg19) VCF-style: chr1-248059549-A-G.
Other names: short protein forms I221V.
Identifiers: ClinVar variation 2717753 (VCV002717753.3), dbSNP rs1265454785, ClinGen allele CA345594936.